The following is an entry in ClinVar:

NM_001556.3(IKBKB):c.357A>T (p.Glu119Asp)

Genes: IKBKB (inhibitor of nuclear factor kappa B kinase subunit beta; plus strand), LOC126860373 (CDK7 strongly-dependent group 2 enhancer GRCh37_chr8:42150166-42151365; plus strand). Cytogenetic location: 8p11.21.
Variant type: single nucleotide variant.
Coding change: c.357A>T on transcript NM_001556.3 (MANE Select); coding-DNA position 357, A replaced by T.
Protein change: p.Glu119Asp; replaces glutamic acid 119 with aspartic acid.
Molecular consequence: missense variant. On other transcripts: non-coding transcript variant (3).
Genome position (GRCh38, 1-based): chr8:42,293,481, A>T. VCF-style: chr8-42293481-A-T. GRCh37 (hg19) VCF-style: chr8-42150999-A-T.
Other names: c.357A>T (NM_001556.2); c.165A>T, p.Glu55Asp (NM_001190720.3); c.180A>T, p.Glu60Asp (NM_001242778.2); short protein forms E60D, E55D, E119D.
Identifiers: ClinVar variation 3710368 (VCV003710368.3).

ClinVar aggregate classification (germline): Uncertain significance. Review status: criteria provided, multiple submitters, no conflicts (2 of 4 stars). 2 submissions from 2 submitters: Uncertain significance (2). Last evaluated 2025-08-10.

Conditions:
Severe combined immunodeficiency due to IKK2 deficiency. Also called: Immunodeficiency 15; IMMUNODEFICIENCY 15B. Identifiers: Orphanet 397787, MedGen C4747743, MONDO:0014267, OMIM 615592.
Inborn genetic diseases. Identifiers: MedGen C0950123, MeSH D030342.

gnomAD v4.1: 13 of 1,614,058 alleles (0.00081%); highest among the groups gnomAD compares: Admixed American, 0.022%; no homozygotes.

Submissions (2):

Ambry Genetics
Classification: Uncertain significance for Inborn genetic diseases. Last evaluated: 2025-08-10. Review status: criteria provided, single submitter. Criteria: Ambry Variant Classification Scheme 2023. Collection method: clinical testing. Allele origin: germline.

Labcorp Genetics (formerly Invitae), Labcorp
Classification: Uncertain significance for Severe combined immunodeficiency due to IKK2 deficiency. Last evaluated: 2025-07-31. Review status: criteria provided, single submitter. Criteria: Invitae Variant Classification Sherloc (09022015). Collection method: clinical testing. Allele origin: germline.
Comment: This sequence change replaces glutamic acid, which is acidic and polar, with aspartic acid, which is acidic and polar, at codon 119 of the IKBKB protein (p.Glu119Asp). This variant is present in population databases (rs750418316, gnomAD 0.03%). This variant has not been reported in the literature in individuals affected with IKBKB-related conditions. ClinVar contains an entry for this variant (Variation ID: 3710368). Invitae Evidence Modeling of protein sequence and biophysical properties (such as structural, functional, and spatial information, amino acid conservation, physicochemical variation, residue mobility, and thermodynamic stability) indicates that this missense variant is not expected to disrupt IKBKB protein function with a negative predictive value of 95%. In summary, the available evidence is currently insufficient to determine the role of this variant in disease. Therefore, it has been classified as a Variant of Uncertain Significance.